The following is an entry in ClinVar:

NM_013372.7(GREM1):c.271C>G (p.Arg91Gly)

Gene: GREM1 (gremlin 1, DAN family BMP antagonist; plus strand). Cytogenetic location: 15q13.3.
Variant type: single nucleotide variant.
Coding change: c.271C>G on transcript NM_013372.7 (MANE Select); coding-DNA position 271, C replaced by G.
Protein change: p.Arg91Gly; replaces arginine 91 with glycine.
Molecular consequence: missense variant.
Genome position (GRCh38, 1-based): chr15:32,730,961, C>G. VCF-style: chr15-32730961-C-G. GRCh37 (hg19) VCF-style: chr15-33023162-C-G.
Other names: c.61C>G, p.Arg21Gly (NM_001191322.2); c.148C>G, p.Arg50Gly (NM_001191323.2); c.271C>G, p.Arg91Gly (NM_001368719.1); short protein forms R21G, R91G, R50G.
Identifiers: ClinVar variation 4266790 (VCV004266790.1).

ClinVar aggregate classification (germline): Uncertain significance (1 of 4 stars; one submission).

Conditions:
Hereditary cancer-predisposing syndrome. Also called: Hereditary Cancer Syndrome; Hereditary neoplastic syndrome; Neoplastic Syndromes, Hereditary; Tumor predisposition. Identifiers: Orphanet 140162, MedGen C0027672, MeSH D009386, MONDO:0015356.

Submission:

Ambry Genetics
Classification: Uncertain significance for Hereditary cancer-predisposing syndrome. Last evaluated: 2025-07-09. Review status: criteria provided, single submitter. Criteria: Ambry Variant Classification Scheme 2023. Collection method: clinical testing. Allele origin: germline.
Comment: The p.R91G variant (also known as c.271C>G), located in coding exon 1 of the GREM1 gene, results from a C to G substitution at nucleotide position 271. The arginine at codon 91 is replaced by glycine, an amino acid with dissimilar properties. This amino acid position is conserved. In addition, the in silico prediction for this alteration is inconclusive. Based on the available evidence, the clinical significance of this variant remains unclear.